The following is an entry in ClinVar:

ClinVar aggregate classification (germline): Uncertain significance (1 of 4 stars; one submission).

Conditions:
Early-infantile DEE. Also called: Early infantile epileptic encephalopathy; Ohtahara syndrome; Early infantile epileptic encephalopathy with suppression bursts. Identifiers: Orphanet 1934, MedGen C0393706, MONDO:0800491.

Submission:

Labcorp Genetics (formerly Invitae), Labcorp
Classification: Uncertain significance for Early-infantile DEE. Last evaluated: 2024-03-17. Review status: criteria provided, single submitter. Criteria: Invitae Variant Classification Sherloc (09022015). Collection method: clinical testing. Allele origin: germline.
Comment: This sequence change replaces tyrosine, which is neutral and polar, with cysteine, which is neutral and slightly polar, at codon 1234 of the SCN8A protein (p.Tyr1234Cys). This variant is not present in population databases (gnomAD no frequency). This variant has not been reported in the literature in individuals affected with SCN8A-related conditions. Advanced modeling of protein sequence and biophysical properties (such as structural, functional, and spatial information, amino acid conservation, physicochemical variation, residue mobility, and thermodynamic stability) performed at Invitae indicates that this missense variant is expected to disrupt SCN8A protein function with a positive predictive value of 95%. In summary, the available evidence is currently insufficient to determine the role of this variant in disease. Therefore, it has been classified as a Variant of Uncertain Significance.

NM_001330260.2(SCN8A):c.3701A>G (p.Tyr1234Cys)

Gene: SCN8A (sodium voltage-gated channel alpha subunit 8; plus strand). Cytogenetic location: 12q13.13.
Variant type: single nucleotide variant.
Coding change: c.3701A>G on transcript NM_001330260.2 (MANE Select); coding-DNA position 3701, A replaced by G.
Protein change: p.Tyr1234Cys; replaces tyrosine 1234 with cysteine.
Molecular consequence: missense variant.
Genome position (GRCh38, 1-based): chr12:51,774,244, A>G. VCF-style: chr12-51774244-A-G. GRCh37 (hg19) VCF-style: chr12-52168028-A-G.
Other names: c.3701A>G, p.Tyr1234Cys (NM_001177984.3, NM_001369788.1, NM_014191.4); short protein forms Y1234C.
Identifiers: ClinVar variation 3617722 (VCV003617722.2).
Genomic context (GRCh38, chr12:51,774,244, plus strand): 5'-TTTAGGCCTTCGAGGACATCTACATTGAGCAGAGAAAGACCATCCGCACCATCCTGGAAT[A>G]TGCTGACAAAGTCTTCACCTATATCTTCATCCTGGAGATGTTGCTCAAGTGGACAGCCTA-3'
Protein context (NP_001317189.1, residues 1224-1244): QRKTIRTILE[Tyr1234Cys]ADKVFTYIFI